The following is an entry in ClinVar:

ClinVar aggregate classification (germline): Uncertain significance (1 of 4 stars; one submission).

Conditions:
Desmin-related myofibrillar myopathy (MFM1). Also called: Desminopathy; MYOFIBRILLAR MYOPATHY WITH ARRHYTHMOGENIC RIGHT VENTRICULAR CARDIOMYOPATHY; DESMIN-RELATED MYOPATHY WITH ARRHYTHMOGENIC RIGHT VENTRICULAR CARDIOMYOPATHY; Desmin related myopathy (former name); Desmin storage myopathy (former name); Myofibrillar myopathy 1. Identifiers: Orphanet 363543, Orphanet 98909, MedGen C1832370, MONDO:0011076, OMIM 601419.

Submission:

Labcorp Genetics (formerly Invitae), Labcorp
Classification: Uncertain significance for Desmin-related myofibrillar myopathy. Last evaluated: 2022-02-04. Review status: criteria provided, single submitter. Criteria: Invitae Variant Classification Sherloc (09022015). Collection method: clinical testing. Allele origin: germline.
Comment: This variant has not been reported in the literature in individuals affected with DES-related conditions. Experimental studies and prediction algorithms are not available or were not evaluated, and the functional significance of this variant is currently unknown. In summary, the available evidence is currently insufficient to determine the role of this variant in disease. Therefore, it has been classified as a Variant of Uncertain Significance. This variant results in a copy number gain of the genomic region encompassing exon(s) 3-9 of the DES gene. This region includes the termination codon of the gene. This copy number gain extends beyond the assayed region for this gene and therefore may encompass additional genes. As the precise location of this event is unknown, it may be in tandem or it may be located elsewhere in the genome.

NC_000002.12:g.(?_219420241)_(219426000_?)dup

Gene: DES (desmin; plus strand). Cytogenetic location: 2q35.
Variant type: Duplication.
Identifiers: ClinVar variation 831503 (VCV000831503.3).